The following is an entry in ClinVar:

ClinVar aggregate classification (germline): Uncertain significance (1 of 4 stars; one submission).

Allele frequency attached by ClinVar (database versions not stated): gnomAD exomes below 0.00001.
gnomAD v4.1: 1 of 1,613,996 alleles (0.000062%); highest among the groups gnomAD compares: Non-Finnish European, 0.000085%; no homozygotes.

Submission:

Labcorp Genetics (formerly Invitae), Labcorp
Classification: Uncertain significance. Last evaluated: 2024-10-22. Review status: criteria provided, single submitter. Criteria: Invitae Variant Classification Sherloc (09022015). Collection method: clinical testing. Allele origin: germline.
Comment: This sequence change replaces aspartic acid, which is acidic and polar, with glycine, which is neutral and non-polar, at codon 321 of the AUTS2 protein (p.Asp321Gly). This variant is present in population databases (no rsID available, gnomAD 0.0009%). This variant has not been reported in the literature in individuals affected with AUTS2-related conditions. ClinVar contains an entry for this variant (Variation ID: 2131574). Invitae Evidence Modeling of protein sequence and biophysical properties (such as structural, functional, and spatial information, amino acid conservation, physicochemical variation, residue mobility, and thermodynamic stability) indicates that this missense variant is not expected to disrupt AUTS2 protein function with a negative predictive value of 80%. In summary, the available evidence is currently insufficient to determine the role of this variant in disease. Therefore, it has been classified as a Variant of Uncertain Significance.

NM_015570.4(AUTS2):c.962A>G (p.Asp321Gly)

Gene: AUTS2 (activator of transcription and developmental regulator AUTS2; plus strand). Cytogenetic location: 7q11.22.
Variant type: single nucleotide variant.
Coding change: c.962A>G on transcript NM_015570.4 (MANE Select); coding-DNA position 962, A replaced by G.
Protein change: p.Asp321Gly; replaces aspartic acid 321 with glycine.
Molecular consequence: missense variant.
Genome position (GRCh38, 1-based): chr7:70,763,089, A>G. VCF-style: chr7-70763089-A-G. GRCh37 (hg19) VCF-style: chr7-70228075-A-G.
Other names: c.962A>G, p.Asp321Gly (NM_001127231.3); short protein forms D321G.
Identifiers: ClinVar variation 2131574 (VCV002131574.4), dbSNP rs1307377989, ClinGen allele CA367667561.